The following is an entry in ClinVar:

ClinVar aggregate classification (germline): Conflicting classifications of pathogenicity. Review status: criteria provided, conflicting classifications (1 of 4 stars). 4 submissions from 4 submitters: Uncertain significance (3); Likely benign (1). Last evaluated 2025-09-03.

Conditions:
Inborn genetic diseases. Identifiers: MedGen C0950123, MeSH D030342.

Allele frequency attached by ClinVar (database versions not stated): gnomAD 0.00001.
gnomAD v4.1: 6 of 1,613,974 alleles (0.00037%); highest among the groups gnomAD compares: Middle Eastern, 0.033%; no homozygotes.

Submissions (4):

Labcorp Genetics (formerly Invitae), Labcorp
Classification: Uncertain significance. Last evaluated: 2025-09-03. Review status: criteria provided, single submitter. Criteria: Invitae Variant Classification Sherloc (09022015). Collection method: clinical testing. Allele origin: germline.
Comment: This sequence change replaces glycine, which is neutral and non-polar, with serine, which is neutral and polar, at codon 175 of the DDX41 protein (p.Gly175Ser). This variant is present in population databases (no rsID available, gnomAD 0.003%). This missense change has been observed in individual(s) with DDX41-related conditions (PMID: 35671390, 37506341). ClinVar contains an entry for this variant (Variation ID: 2502575). An algorithm developed to predict the effect of missense changes on protein structure and function (PolyPhen-2) suggests that this variant is likely to be tolerated. In summary, the available evidence is currently insufficient to determine the role of this variant in disease. Therefore, it has been classified as a Variant of Uncertain Significance.

Ambry Genetics
Classification: Likely benign for Inborn genetic diseases. Last evaluated: 2024-10-17. Review status: criteria provided, single submitter. Criteria: Ambry Variant Classification Scheme 2023. Collection method: clinical testing. Allele origin: germline.

Blueprint Genetics
Classification: Uncertain significance. Last evaluated: 2024-07-12. Review status: criteria provided, single submitter. Criteria: ACMG Guidelines, 2015. Collection method: clinical testing. Allele origin: germline.

GeneDx
Classification: Uncertain significance. Last evaluated: 2024-01-26. Review status: criteria provided, single submitter. Criteria: GeneDx Variant Classification Process June 2021. Collection method: clinical testing. Allele origin: germline.
Comment: Not observed at significant frequency in large population cohorts (gnomAD); In silico analysis supports that this missense variant does not alter protein structure/function; Reported as a presumed germline variant in a patient with myelodysplastic syndrome (PMID: 35671390); This variant is associated with the following publications: (PMID: 27721487, 35671390)

Literature cited by the submitters: PubMed 35671390 (cited by Labcorp Genetics (formerly Invitae), Labcorp); PubMed 37506341 (cited by Labcorp Genetics (formerly Invitae), Labcorp).

NM_016222.4(DDX41):c.523G>A (p.Gly175Ser)

Gene: DDX41 (DEAD-box helicase 41; minus strand). Cytogenetic location: 5q35.3.
Variant type: single nucleotide variant.
Coding change: c.523G>A on transcript NM_016222.4 (MANE Select); coding-DNA position 523, G replaced by A.
Protein change: p.Gly175Ser; replaces glycine 175 with serine.
Molecular consequence: missense variant.
Genome position (GRCh38, 1-based): chr5:177,515,733, C>T on the plus strand (G>A on the coding strand, the complement: DDX41 is on the minus strand). VCF-style: chr5-177515733-C-T. GRCh37 (hg19) VCF-style: chr5-176942734-C-T.
Other names: c.145G>A, p.Gly49Ser (NM_001321732.2, NM_001321830.2); short protein forms G175S, G49S.
Identifiers: ClinVar variation 2502575 (VCV002502575.4), dbSNP rs377695856, ClinGen allele CA362376087.